The following is an entry in ClinVar:

NM_002439.5(MSH3):c.3220A>T (p.Lys1074Ter)

Gene: MSH3 (mutS homolog 3; plus strand). Cytogenetic location: 5q14.1.
Variant type: single nucleotide variant.
Coding change: c.3220A>T on transcript NM_002439.5 (MANE Select); coding-DNA position 3220, A replaced by T.
Protein change: p.Lys1074Ter; replaces lysine 1074 with a stop codon.
Molecular consequence: nonsense.
Genome position (GRCh38, 1-based): chr5:80,873,205, A>T. VCF-style: chr5-80873205-A-T. GRCh37 (hg19) VCF-style: chr5-80169024-A-T.
Other names: short protein forms K1074*.
Identifiers: ClinVar variation 1358390 (VCV001358390.6), dbSNP rs2112128764, ClinGen allele CA360346969.

ClinVar aggregate classification (germline): Pathogenic (1 of 4 stars; one submission).

Submission:

Labcorp Genetics (formerly Invitae), Labcorp
Classification: Pathogenic. Last evaluated: 2021-05-13. Review status: criteria provided, single submitter. Criteria: Invitae Variant Classification Sherloc (09022015). Collection method: clinical testing. Allele origin: germline.
Comment: For these reasons, this variant has been classified as Pathogenic. This variant has not been reported in the literature in individuals with MSH3-related conditions. This variant is not present in population databases (ExAC no frequency). This sequence change creates a premature translational stop signal (p.Lys1074*) in the MSH3 gene. It is expected to result in an absent or disrupted protein product. Loss-of-function variants in MSH3 are known to be pathogenic (PMID: 27476653).

Literature cited by the submitters: PubMed 27476653.